The following is an entry in ClinVar:

NM_004006.3(DMD):c.3226C>T (p.Pro1076Ser)

Gene: DMD (dystrophin; minus strand). Cytogenetic location: Xp21.1.
Variant type: single nucleotide variant.
Coding change: c.3226C>T on transcript NM_004006.3 (MANE Select); coding-DNA position 3226, C replaced by T.
Protein change: p.Pro1076Ser; replaces proline 1076 with serine.
Molecular consequence: missense variant.
Genome position (GRCh38, 1-based): chrX:32,464,636, G>A on the plus strand (C>T on the coding strand, the complement: DMD is on the minus strand). VCF-style: chrX-32464636-G-A. GRCh37 (hg19) VCF-style: chrX-32482753-G-A.
Other names: c.3202C>T, p.Pro1068Ser (NM_000109.4); c.3214C>T, p.Pro1072Ser (NM_004009.3); c.2857C>T, p.Pro953Ser (NM_004010.3); short protein forms P1068S, P1072S, P1076S, P953S.
Identifiers: ClinVar variation 1405300 (VCV001405300.5), dbSNP rs1422639014, ClinGen allele CA412664884.

ClinVar aggregate classification (germline): Uncertain significance (1 of 4 stars; one submission).

Conditions:
Duchenne muscular dystrophy (DMD). Also called: MUSCULAR DYSTROPHY, PSEUDOHYPERTROPHIC PROGRESSIVE, DUCHENNE TYPE; Duchenne Muscular Dystrophy (DMD). Identifiers: Orphanet 98896, MedGen C0013264, MONDO:0010679, OMIM 310200.

Allele frequency attached by ClinVar (database versions not stated): gnomAD 0.00001; TOPMed 0.00001.
gnomAD v4.1: 1 of 1,208,674 alleles (0.000083%); highest among the groups gnomAD compares: South Asian, 0.0018%; no homozygotes.

Submission:

Labcorp Genetics (formerly Invitae), Labcorp
Classification: Uncertain significance for Duchenne muscular dystrophy. Last evaluated: 2022-10-24. Review status: criteria provided, single submitter. Criteria: Invitae Variant Classification Sherloc (09022015). Collection method: clinical testing. Allele origin: germline.
Comment: This sequence change replaces proline, which is neutral and non-polar, with serine, which is neutral and polar, at codon 1076 of the DMD protein (p.Pro1076Ser). This variant is not present in population databases (gnomAD no frequency). This variant has not been reported in the literature in individuals affected with DMD-related conditions. ClinVar contains an entry for this variant (Variation ID: 1405300). Advanced modeling of protein sequence and biophysical properties (such as structural, functional, and spatial information, amino acid conservation, physicochemical variation, residue mobility, and thermodynamic stability) performed at Invitae indicates that this missense variant is not expected to disrupt DMD protein function. In summary, the available evidence is currently insufficient to determine the role of this variant in disease. Therefore, it has been classified as a Variant of Uncertain Significance.